The following is an entry in ClinVar:

NM_000059.4(BRCA2):c.6486A>T (p.Lys2162Asn)

Gene: BRCA2 (BRCA2 DNA repair associated; plus strand). Cytogenetic location: 13q13.1.
Variant type: single nucleotide variant.
Coding change: c.6486A>T on transcript NM_000059.4 (MANE Select); coding-DNA position 6486, A replaced by T.
Protein change: p.Lys2162Asn; replaces lysine 2162 with asparagine.
Molecular consequence: missense variant. On other transcripts: non-coding transcript variant (1), intron variant (2).
Genome position (GRCh38, 1-based): chr13:32,340,841, A>T. VCF-style: chr13-32340841-A-T. GRCh37 (hg19) VCF-style: chr13-32914978-A-T.
Other names: c.6486A>T, p.Lys2162Asn (NM_001406719.1, NM_001406720.1, NM_001432077.1); c.1910-3717A>T (NM_001406721.1); c.425-3717A>T (NM_001406722.1); short protein forms K2162N.
Identifiers: ClinVar variation 3636507 (VCV003636507.2).

ClinVar aggregate classification (germline): Uncertain significance (1 of 4 stars; one submission).

Conditions:
Hereditary breast ovarian cancer syndrome. Also called: Hereditary breast and ovarian cancer syndrome; Hereditary breast and ovarian cancer syndrome (HBOC); BRCA1- and BRCA2-Associated Hereditary Breast and Ovarian Cancer; Hereditary breast and ovarian cancer; Breast and ovarian cancer; Hereditary breast and/or ovarian cancer syndrome. Identifiers: Orphanet 145, MedGen C0677776, MeSH D061325, MONDO:0003582. Disease mechanism: loss of function.

Submission:

Labcorp Genetics (formerly Invitae), Labcorp
Classification: Uncertain significance for Hereditary breast ovarian cancer syndrome. Last evaluated: 2024-06-04. Review status: criteria provided, single submitter. Criteria: Invitae Variant Classification Sherloc (09022015). Collection method: clinical testing. Allele origin: germline.
Comment: This sequence change replaces lysine, which is basic and polar, with asparagine, which is neutral and polar, at codon 2162 of the BRCA2 protein (p.Lys2162Asn). This variant is not present in population databases (gnomAD no frequency). This variant has not been reported in the literature in individuals affected with BRCA2-related conditions. Advanced modeling of protein sequence and biophysical properties (such as structural, functional, and spatial information, amino acid conservation, physicochemical variation, residue mobility, and thermodynamic stability) performed at Invitae indicates that this missense variant is not expected to disrupt BRCA2 protein function with a negative predictive value of 95%. In summary, the available evidence is currently insufficient to determine the role of this variant in disease. Therefore, it has been classified as a Variant of Uncertain Significance.